The following is an entry in ClinVar:

ClinVar aggregate classification (germline): Likely pathogenic (1 of 4 stars; one submission).

Conditions:
Retinitis pigmentosa 1 (RP1). Identifiers: Orphanet 791, MedGen C0220701, MONDO:0008377, OMIM 180100.

Submission:

3billion
Classification: Likely pathogenic for Retinitis pigmentosa 1. Last evaluated: 2023-09-21. Review status: criteria provided, single submitter. Criteria: ACMG Guidelines, 2015. Collection method: clinical testing. Allele origin: germline. Affected: yes.
Comment: The variant is not observed in the gnomAD v2.1.1 dataset. Predicted Consequence/Location: Frameshift: predicted to result in a loss or disruption of normal protein function through protein truncation. The predicted truncated protein may be shortened by more than 10%. Therefore, this variant is classified as Likely pathogenic according to the recommendation of ACMG/AMP guideline.

NM_006269.2(RP1):c.806dup (p.Ser270fs)

Gene: RP1 (RP1 axonemal microtubule associated; plus strand). Cytogenetic location: 8q12.1.
Variant type: Duplication.
Coding change: c.806dup on transcript NM_006269.2 (MANE Select); coding-DNA position 806, one base duplicated (C; older notation c.806dupC).
Protein change: p.Ser270fs; shifts the reading frame from serine 270.
Molecular consequence: frameshift variant. On other transcripts: intron variant (1).
Genome position (GRCh38, 1-based): chr8:54,624,688, C duplicated. VCF-style (leftmost placement, unchanged base first): chr8-54624687-T-TC. GRCh37 (hg19) VCF-style: chr8-55537247-T-TC.
Other names: c.787+2400dup (NM_001375654.1); short protein forms S270fs.
Identifiers: ClinVar variation 3775242 (VCV003775242.1).